The following is an entry in ClinVar:

ClinVar aggregate classification (germline): Uncertain significance (1 of 4 stars; one submission).

Conditions:
Hereditary cancer-predisposing syndrome. Also called: Tumor predisposition; Hereditary Cancer Syndrome; Hereditary neoplastic syndrome; Neoplastic Syndromes, Hereditary. Identifiers: Orphanet 140162, MedGen C0027672, MeSH D009386, MONDO:0015356.

Submission:

Ambry Genetics
Classification: Uncertain significance for Hereditary cancer-predisposing syndrome. Last evaluated: 2025-11-03. Review status: criteria provided, single submitter. Criteria: Ambry Variant Classification Scheme 2023. Collection method: clinical testing. Allele origin: germline.
Comment: The p.F1376L variant (also known as c.4128C>G), located in coding exon 33 of the TSC2 gene, results from a C to G substitution at nucleotide position 4128. The phenylalanine at codon 1376 is replaced by leucine, an amino acid with highly similar properties. This amino acid position is conserved. In addition, the in silico prediction for this alteration is inconclusive. Since supporting evidence is limited at this time, the clinical significance of this alteration remains unclear.

NM_000548.5(TSC2):c.4128C>G (p.Phe1376Leu)

Gene: TSC2 (TSC complex subunit 2; plus strand). Cytogenetic location: 16p13.3.
Variant type: single nucleotide variant.
Coding change: c.4128C>G on transcript NM_000548.5 (MANE Select); coding-DNA position 4128, C replaced by G.
Protein change: p.Phe1376Leu; replaces phenylalanine 1376 with leucine.
Molecular consequence: missense variant. On other transcripts: non-coding transcript variant (5).
Genome position (GRCh38, 1-based): chr16:2,084,350, C>G. VCF-style: chr16-2084350-C-G. GRCh37 (hg19) VCF-style: chr16-2134351-C-G.
Other names: c.3927C>G, p.Phe1309Leu (NM_001077183.3); c.4059C>G, p.Phe1353Leu (NM_001114382.3); c.3819C>G, p.Phe1273Leu (NM_001318827.2); c.3783C>G, p.Phe1261Leu (NM_001318829.2); c.3396C>G, p.Phe1132Leu (NM_001318831.2); c.3960C>G, p.Phe1320Leu (NM_001318832.2); c.3930C>G, p.Phe1310Leu (NM_001363528.2); c.3996C>G, p.Phe1332Leu (NM_001370404.1); and 26 more; short protein forms F1156L, F1176L, F1290L, F1306L, F1309L, F1340L, F1109L, F1152L.
Identifiers: ClinVar variation 2626452 (VCV002626452.3), dbSNP rs1060504086, ClinGen allele CA394299583.